The following is an entry in ClinVar:

ClinVar aggregate classification (germline): Likely pathogenic (1 of 4 stars; one submission).

Conditions:
KIF11-related disorder. Also called: KIF11-related condition.

Submission:

PreventionGenetics, part of Exact Sciences
Classification: Likely pathogenic for KIF11-related condition. Last evaluated: 2025-09-12. Review status: criteria provided, single submitter. Criteria: ACMG Guidelines, 2015. Collection method: clinical testing. Allele origin: germline.
Comment: The KIF11 c.2875_2876delTT variant is predicted to result in a frameshift and premature protein termination (p.Leu959Asnfs*29). To our knowledge, this variant has not been reported in the literature or in a large population database (gnomAD), indicating this variant is rare. Frameshift variants in KIF11 are expected to be pathogenic. This variant is interpreted as likely pathogenic.

NM_004523.4(KIF11):c.2875_2876del (p.Leu959fs)

Gene: KIF11 (kinesin family member 11; plus strand). Cytogenetic location: 10q23.33.
Variant type: Deletion.
Coding change: c.2875_2876del on transcript NM_004523.4 (MANE Select); coding-DNA positions 2875 to 2876, 2 bases deleted (TT; older notation c.2875_2876delTT).
Protein change: p.Leu959fs; shifts the reading frame from leucine 959.
Molecular consequence: frameshift variant.
Genome position (GRCh38, 1-based): chr10:92,649,939-92,649,940, TT deleted. VCF-style (leftmost placement, unchanged base first): chr10-92649938-GTT-G. GRCh37 (hg19) VCF-style: chr10-94409695-GTT-G.
Other names: short protein forms L959fs.
Identifiers: ClinVar variation 4995472 (VCV004995472.1).